The following is an entry in ClinVar:

NM_006206.6(PDGFRA):c.1358T>C (p.Ile453Thr)

Gene: PDGFRA (platelet derived growth factor receptor alpha; plus strand). Cytogenetic location: 4q12.
Variant type: single nucleotide variant.
Coding change: c.1358T>C on transcript NM_006206.6 (MANE Select); coding-DNA position 1358, T replaced by C.
Protein change: p.Ile453Thr; replaces isoleucine 453 with threonine.
Molecular consequence: missense variant.
Genome position (GRCh38, 1-based): chr4:54,272,514, T>C. VCF-style: chr4-54272514-T-C. GRCh37 (hg19) VCF-style: chr4-55138681-T-C.
Other names: c.1358T>C, p.Ile453Thr (NM_001347827.2, NM_001347829.2); c.1433T>C, p.Ile478Thr (NM_001347828.2); c.1397T>C, p.Ile466Thr (NM_001347830.2); short protein forms I478T, I453T, I466T.
Identifiers: ClinVar variation 662364 (VCV000662364.13), dbSNP rs1577722738, ClinGen allele CA356892386.

ClinVar aggregate classification (germline): Uncertain significance. Review status: criteria provided, multiple submitters, no conflicts (2 of 4 stars). 2 submissions from 2 submitters: Uncertain significance (2). Last evaluated 2025-12-01.

Conditions:
Hereditary cancer-predisposing syndrome. Also called: Neoplastic Syndromes, Hereditary; Tumor predisposition; Hereditary Cancer Syndrome; Hereditary neoplastic syndrome. Identifiers: Orphanet 140162, MedGen C0027672, MeSH D009386, MONDO:0015356.
Gastrointestinal stromal tumor. Also called: Gastrointestinal stromal tumor, somatic; Gastrointestinal stroma tumor. Identifiers: Orphanet 44890, MedGen C0238198, MeSH D046152, MONDO:0011719, OMIM 606764, HP:0100723.

Allele frequency attached by ClinVar (database versions not stated): gnomAD exomes below 0.00001; TOPMed below 0.00001.
gnomAD v4.1: 2 of 1,613,938 alleles (0.00012%); highest among the groups gnomAD compares: Admixed American, 0.0017%; no homozygotes.

Submissions (2):

Labcorp Genetics (formerly Invitae), Labcorp
Classification: Uncertain significance for Gastrointestinal stromal tumor. Last evaluated: 2025-12-01. Review status: criteria provided, single submitter. Criteria: Invitae Variant Classification Sherloc (09022015). Collection method: clinical testing. Allele origin: germline.
Comment: This sequence change replaces isoleucine, which is neutral and non-polar, with threonine, which is neutral and polar, at codon 453 of the PDGFRA protein (p.Ile453Thr). This variant is not present in population databases (gnomAD no frequency). This variant has not been reported in the literature in individuals affected with PDGFRA-related conditions. ClinVar contains an entry for this variant (Variation ID: 662364). Invitae Evidence Modeling of protein sequence and biophysical properties (such as structural, functional, and spatial information, amino acid conservation, physicochemical variation, residue mobility, and thermodynamic stability) indicates that this missense variant is not expected to disrupt PDGFRA protein function with a negative predictive value of 80%. In summary, the available evidence is currently insufficient to determine the role of this variant in disease. Therefore, it has been classified as a Variant of Uncertain Significance.

Ambry Genetics
Classification: Uncertain significance for Hereditary cancer-predisposing syndrome. Last evaluated: 2025-06-29. Review status: criteria provided, single submitter. Criteria: Ambry Variant Classification Scheme 2023. Collection method: clinical testing. Allele origin: germline.
Comment: The p.I453T variant (also known as c.1358T>C), located in coding exon 8 of the PDGFRA gene, results from a T to C substitution at nucleotide position 1358. The isoleucine at codon 453 is replaced by threonine, an amino acid with similar properties. This amino acid position is conserved. In addition, this alteration is predicted to be deleterious by in silico analysis. Based on the available evidence, the clinical significance of this variant remains unclear.